The following is an entry in ClinVar:

NM_024757.5(EHMT1):c.671T>C (p.Val224Ala)

Gene: EHMT1 (euchromatic histone lysine methyltransferase 1; plus strand). Cytogenetic location: 9q34.3.
Variant type: single nucleotide variant.
Coding change: c.671T>C on transcript NM_024757.5 (MANE Select); coding-DNA position 671, T replaced by C.
Protein change: p.Val224Ala; replaces valine 224 with alanine.
Molecular consequence: missense variant.
Genome position (GRCh38, 1-based): chr9:137,728,377, T>C. VCF-style: chr9-137728377-T-C. GRCh37 (hg19) VCF-style: chr9-140622829-T-C.
Other names: c.671T>C, p.Val224Ala (NM_001145527.2, NM_001354263.2, NM_001354611.2); c.578T>C, p.Val193Ala (NM_001354259.2, NM_001354612.2); short protein forms V224A, V193A.
Identifiers: ClinVar variation 3274911 (VCV003274911.3).

ClinVar aggregate classification (germline): Uncertain significance. Review status: criteria provided, multiple submitters, no conflicts (2 of 4 stars). 2 submissions from 2 submitters: Uncertain significance (2). Last evaluated 2024-06-20.

Conditions:
Inborn genetic diseases. Identifiers: MedGen C0950123, MeSH D030342.
Kleefstra syndrome 1 (KLEFS1). Identifiers: Orphanet 261494, MedGen C0795833, MONDO:0027407, OMIM 610253.

Submissions (2):

Labcorp Genetics (formerly Invitae), Labcorp
Classification: Uncertain significance for Kleefstra syndrome 1. Last evaluated: 2024-06-20. Review status: criteria provided, single submitter. Criteria: Invitae Variant Classification Sherloc (09022015). Collection method: clinical testing. Allele origin: germline.
Comment: This sequence change replaces valine, which is neutral and non-polar, with alanine, which is neutral and non-polar, at codon 224 of the EHMT1 protein (p.Val224Ala). This variant is not present in population databases (gnomAD no frequency). This variant has not been reported in the literature in individuals affected with EHMT1-related conditions. Advanced modeling of protein sequence and biophysical properties (such as structural, functional, and spatial information, amino acid conservation, physicochemical variation, residue mobility, and thermodynamic stability) performed at Invitae indicates that this missense variant is not expected to disrupt EHMT1 protein function with a negative predictive value of 80%. In summary, the available evidence is currently insufficient to determine the role of this variant in disease. Therefore, it has been classified as a Variant of Uncertain Significance.

Ambry Genetics
Classification: Uncertain significance for Inborn genetic diseases. Last evaluated: 2024-04-20. Review status: criteria provided, single submitter. Criteria: Ambry Variant Classification Scheme 2023. Collection method: clinical testing. Allele origin: germline.